The following is an entry in ClinVar:

ClinVar aggregate classification (germline): Benign/Likely benign. Review status: criteria provided, multiple submitters, no conflicts (2 of 4 stars). 8 submissions from 8 submitters: Benign (1); Likely benign (6). 1 of the submissions does not count toward it. Last evaluated 2026-09-01.

Conditions:
Severe X-linked mitochondrial encephalomyopathy. Also called: ENCEPHALOMYOPATHY, MITOCHONDRIAL, X-LINKED. Identifiers: Orphanet 238329, MedGen C3151753, MONDO:0010437, OMIM 300816.
Combined oxidative phosphorylation deficiency. Identifiers: MedGen C4540031, MONDO:0000732.
Charcot-Marie-Tooth Neuropathy X. Identifiers: MedGen CN118851.
AIFM1-related disorder. Also called: AIFM1-related condition.
Inborn genetic diseases. Identifiers: MedGen C0950123, MeSH D030342.

Allele frequency attached by ClinVar (database versions not stated): ExAC 0.00008; gnomAD exomes 0.00010 and 0.00024; gnomAD 0.00019 and 0.00020; TOPMed 0.00019; ESP Exome Variant Server 0.00028.
gnomAD v4.1: 285 of 1,209,955 alleles (0.024%); highest among the groups gnomAD compares: Non-Finnish European, 0.029%; no homozygotes.

Submissions (10):

CeGaT Center for Human Genetics Tuebingen
Classification: Likely benign. Last evaluated: 2026-09-01. Review status: criteria provided, single submitter. Criteria: CeGaT Center For Human Genetics Tuebingen Variant Classification Criteria Version 2. Collection method: clinical testing. Allele origin: germline. Affected: yes. Observed: 2 variant alleles.
Comment: AIFM1: BS2

Labcorp Genetics (formerly Invitae), Labcorp
Classification: Benign for Charcot-Marie-Tooth Neuropathy X; Combined oxidative phosphorylation deficiency. Last evaluated: 2026-01-05. Review status: criteria provided, single submitter. Criteria: Invitae Variant Classification Sherloc (09022015). Collection method: clinical testing. Allele origin: germline.

Women's Health and Genetics/Laboratory Corporation of America, LabCorp
Classification: Likely benign. Last evaluated: 2024-12-09. Review status: criteria provided, single submitter. Criteria: LabCorp Variant Classification Summary - May 2015. Collection method: clinical testing. Allele origin: germline.

Blueprint Genetics
Classification: Likely benign. Last evaluated: 2024-07-08. Review status: criteria provided, single submitter. Criteria: ACMG Guidelines, 2015. Collection method: clinical testing. Allele origin: germline.

GeneDx
Classification: Likely benign. Last evaluated: 2020-12-21. Review status: criteria provided, single submitter. Criteria: GeneDx Variant Classification Process June 2021. Collection method: clinical testing. Allele origin: germline. Affected: yes.

Ambry Genetics
Classification: Likely benign for Inborn genetic diseases. Last evaluated: 2019-07-11. Review status: criteria provided, single submitter. Criteria: Ambry Variant Classification Scheme 2023. Collection method: clinical testing. Allele origin: germline.

Illumina Laboratory Services, Illumina
Classification: Likely benign for Severe X-linked mitochondrial encephalomyopathy. Last evaluated: 2018-01-13. Review status: criteria provided, single submitter. Criteria: ICSL Variant Classification Criteria 13 December 2019. Collection method: clinical testing. Allele origin: germline.
Comment: This variant was observed in the ICSL laboratory as part of a predisposition screen in an ostensibly healthy population. It had not been previously curated by ICSL or reported in the Human Gene Mutation Database (HGMD: prior to June 1st, 2018), and was therefore a candidate for classification through an automated scoring system. Utilizing variant allele frequency, disease prevalence and penetrance estimates, and inheritance mode, an automated score was calculated to assess if this variant is too frequent to cause the disease. Based on the score and internal cut-off values, a variant classified as likely benign is not then subjected to further curation. The score for this variant resulted in a classification of likely benign for this disease.

PreventionGenetics, part of Exact Sciences
Classification: Likely benign for AIFM1-related condition. Last evaluated: 2024-04-03. Review status: no assertion criteria provided. Collection method: clinical testing. Allele origin: germline. Not counted in ClinVar's aggregate classification.
Comment: This variant is classified as likely benign based on ACMG/AMP sequence variant interpretation guidelines (Richards et al. 2015 PMID: 25741868, with internal and published modifications).

Dr. Peter K. Rogan Lab, Western University
No classification provided (evidence only). Condition: Thyroid cancer, nonmedullary, 1. Review status: no classification provided. Collection method: in vitro. Allele origin: not applicable. Functional consequence: retained intron. Not counted in ClinVar's aggregate classification.

Dr. Peter K. Rogan Lab, Western University
No classification provided (evidence only). Condition: Gastric cancer. Review status: no classification provided. Collection method: in vitro. Allele origin: not applicable. Functional consequence: retained intron. Not counted in ClinVar's aggregate classification.

NM_004208.4(AIFM1):c.1644G>A (p.Pro548=)

Genes: AIFM1 (apoptosis inducing factor mitochondria associated 1; minus strand), RAB33A (RAB33A, member RAS oncogene family; plus strand). Cytogenetic location: Xq26.1.
Variant type: single nucleotide variant.
Coding change: c.1644G>A on transcript NM_004208.4 (MANE Select); coding-DNA position 1644, G replaced by A.
Protein change: p.Pro548=; no amino-acid change (proline 548 retained).
Molecular consequence: synonymous variant. On other transcripts: 3 prime UTR variant (1), non-coding transcript variant (1).
Genome position (GRCh38, 1-based): chrX:130,130,096, C>T on the plus strand (G>A on the coding strand, the complement: AIFM1 is on the minus strand). VCF-style: chrX-130130096-C-T. GRCh37 (hg19) VCF-style: chrX-129264071-C-T.
Other names: c.627G>A, p.Pro209= (NM_001130846.4); c.*872G>A (NM_001130847.4); c.1632G>A, p.Pro544= (NM_145812.3).
Identifiers: ClinVar variation 377456 (VCV000377456.23), dbSNP rs150821143, ClinGen allele CA10515241.